The following is an entry in ClinVar:

NM_002439.5(MSH3):c.528C>T (p.His176=)

Gene: MSH3 (mutS homolog 3; plus strand). Cytogenetic location: 5q14.1.
Variant type: single nucleotide variant.
Coding change: c.528C>T on transcript NM_002439.5 (MANE Select); coding-DNA position 528, C replaced by T.
Protein change: p.His176=; no amino-acid change (histidine 176 retained).
Molecular consequence: synonymous variant.
Genome position (GRCh38, 1-based): chr5:80,665,312, C>T. VCF-style: chr5-80665312-C-T. GRCh37 (hg19) VCF-style: chr5-79961131-C-T.
Identifiers: ClinVar variation 757606 (VCV000757606.18), dbSNP rs368468467, ClinGen allele CA3327620.

ClinVar aggregate classification (germline): Likely benign. Review status: criteria provided, multiple submitters, no conflicts (2 of 4 stars). 5 submissions from 5 submitters: Likely benign (5). Last evaluated 2026-09-01.

Conditions:
Hereditary cancer-predisposing syndrome. Also called: Hereditary neoplastic syndrome; Hereditary Cancer Syndrome; Neoplastic Syndromes, Hereditary; Tumor predisposition. Identifiers: Orphanet 140162, MedGen C0027672, MeSH D009386, MONDO:0015356.

Allele frequency attached by ClinVar (database versions not stated): gnomAD 0.00001; TOPMed 0.00003; ESP Exome Variant Server 0.00008.
gnomAD v4.1: 83 of 1,613,446 alleles (0.0051%); highest among the groups gnomAD compares: Non-Finnish European, 0.0064%; no homozygotes.

Submissions (5):

CeGaT Center for Human Genetics Tuebingen
Classification: Likely benign. Last evaluated: 2026-09-01. Review status: criteria provided, single submitter. Criteria: CeGaT Center For Human Genetics Tuebingen Variant Classification Criteria Version 2. Collection method: clinical testing. Allele origin: germline. Affected: yes. Observed: 1 variant allele.
Comment: MSH3: BP4, BP7

Labcorp Genetics (formerly Invitae), Labcorp
Classification: Likely benign. Last evaluated: 2025-12-22. Review status: criteria provided, single submitter. Criteria: Invitae Variant Classification Sherloc (09022015). Collection method: clinical testing. Allele origin: germline.

Blueprint Genetics
Classification: Likely benign. Last evaluated: 2024-06-06. Review status: criteria provided, single submitter. Criteria: ACMG Guidelines, 2015. Collection method: clinical testing. Allele origin: germline.

Sema4
Classification: Likely benign for Hereditary cancer-predisposing syndrome. Last evaluated: 2022-01-04. Review status: criteria provided, single submitter. Criteria: Sema4 Curation Guidelines. Collection method: curation. Allele origin: germline.

Ambry Genetics
Classification: Likely benign for Hereditary cancer-predisposing syndrome. Last evaluated: 2018-12-05. Review status: criteria provided, single submitter. Criteria: Ambry Variant Classification Scheme 2023. Collection method: clinical testing. Allele origin: germline.